The following is an entry in ClinVar:

ClinVar aggregate classification (germline): Uncertain significance (1 of 4 stars; one submission).

Conditions:
Amyotrophic lateral sclerosis type 1 (ALS1). Also called: AMYOTROPHIC LATERAL SCLEROSIS 1, FAMILIAL. Identifiers: Orphanet 803, MedGen C1862939, MONDO:0007103, OMIM 105400.
Neuronopathy, distal hereditary motor, type 7B. Also called: NEURONOPATHY, DISTAL HEREDITARY MOTOR, AUTOSOMAL DOMINANT 14; NEURONOPATHY, DISTAL HEREDITARY MOTOR, HARDING TYPE VIIB; NEUROPATHY, DISTAL HEREDITARY MOTOR, HARDING TYPE VIIB; NEUROPATHY, DISTAL HEREDITARY MOTOR, WITH VOCAL CORD PARALYSIS, HARDING TYPE VIIB; HMN VIIB; LOWER MOTOR NEURON DISEASE, DYNACTIN TYPE. Identifiers: Orphanet 139589, MedGen C1843315, MONDO:0011879, OMIM 607641.
Perry syndrome. Also called: PARKINSONISM WITH ALVEOLAR HYPOVENTILATION AND MENTAL DEPRESSION. Identifiers: Orphanet 178509, MedGen C1868594, MONDO:0008201, OMIM 168605.

gnomAD v4.1: 4 of 1,614,224 alleles (0.00025%); highest among the groups gnomAD compares: Middle Eastern, 0.016%; no homozygotes.

Submission:

Labcorp Genetics (formerly Invitae), Labcorp
Classification: Uncertain significance for Amyotrophic lateral sclerosis type 1; Neuronopathy, distal hereditary motor, type 7B; Perry syndrome. Last evaluated: 2024-08-09. Review status: criteria provided, single submitter. Criteria: Invitae Variant Classification Sherloc (09022015). Collection method: clinical testing. Allele origin: germline.
Comment: This sequence change replaces cysteine, which is neutral and slightly polar, with tyrosine, which is neutral and polar, at codon 888 of the DCTN1 protein (p.Cys888Tyr). This variant is not present in population databases (gnomAD no frequency). This variant has not been reported in the literature in individuals affected with DCTN1-related conditions. Advanced modeling of protein sequence and biophysical properties (such as structural, functional, and spatial information, amino acid conservation, physicochemical variation, residue mobility, and thermodynamic stability) performed at Invitae indicates that this missense variant is not expected to disrupt DCTN1 protein function with a negative predictive value of 80%. In summary, the available evidence is currently insufficient to determine the role of this variant in disease. Therefore, it has been classified as a Variant of Uncertain Significance.

NM_004082.5(DCTN1):c.2663G>A (p.Cys888Tyr)

Gene: DCTN1 (dynactin subunit 1; minus strand). Cytogenetic location: 2p13.1.
Variant type: single nucleotide variant.
Coding change: c.2663G>A on transcript NM_004082.5 (MANE Select); coding-DNA position 2663, G replaced by A.
Protein change: p.Cys888Tyr; replaces cysteine 888 with tyrosine.
Molecular consequence: missense variant. On other transcripts: non-coding transcript variant (1).
Genome position (GRCh38, 1-based): chr2:74,366,341, C>T on the plus strand (G>A on the coding strand, the complement: DCTN1 is on the minus strand). VCF-style: chr2-74366341-C-T. GRCh37 (hg19) VCF-style: chr2-74593468-C-T.
Other names: c.2603G>A, p.Cys868Tyr (NM_001135040.3); c.2261G>A, p.Cys754Tyr (NM_001135041.3, NM_023019.4); c.2552G>A, p.Cys851Tyr (NM_001190836.2); c.2642G>A, p.Cys881Tyr (NM_001190837.2); c.2612G>A, p.Cys871Tyr (NM_001378991.1); c.2594G>A, p.Cys865Tyr (NM_001378992.1); short protein forms C754Y, C851Y, C865Y, C868Y, C871Y, C881Y, C888Y.
Identifiers: ClinVar variation 3748526 (VCV003748526.2).
Genomic context (GRCh38, chr2:74,366,341, plus strand): 5'-TGCATGGCTGTGGCCAGCTTGTTCATGGTACTGATGAGGATGTTGCATGACTGGCGCAGA[C>T]ACTCATAGGGGCTGCTGGAGGGGGTCCCATAGATCTGCAGGAGCCAAGGGCAGAAGTAAA-3'
Protein context (NP_004073.2, residues 878-898): YGTPSSSPYE[Cys888Tyr]LRQSCNILIS